The following is an entry in ClinVar:

NM_001377.3(DYNC2H1):c.10292T>C (p.Ile3431Thr)

Gene: DYNC2H1 (dynein cytoplasmic 2 heavy chain 1; plus strand). Cytogenetic location: 11q22.3.
Variant type: single nucleotide variant.
Coding change: c.10292T>C on transcript NM_001377.3 (MANE Select); coding-DNA position 10292, T replaced by C.
Protein change: p.Ile3431Thr; replaces isoleucine 3431 with threonine.
Molecular consequence: missense variant.
Genome position (GRCh38, 1-based): chr11:103,255,500, T>C. VCF-style: chr11-103255500-T-C. GRCh37 (hg19) VCF-style: chr11-103126229-T-C.
Other names: c.10313T>C, p.Ile3438Thr (NM_001080463.2); c.10313T>C (NM_001080463.1); short protein forms I3438T, I3431T.
Identifiers: ClinVar variation 1523850 (VCV001523850.8), dbSNP rs1325471732, ClinGen allele CA382249354.
Genomic context (GRCh38, chr11:103,255,500, plus strand): 5'-AGAAACCTGATTTAGAAGAACAGAAAACAAAACTATTACAACAGGAAGAAGATAAGAAAA[T>C]ACAGCTAGCCAAGCTCGAAGAATCTCTTCTAGAGGTAAAAGTCTAGCTATTTAGGTTACT-3'
Protein context (NP_001368.2, residues 3421-3441): KLLQQEEDKK[Ile3431Thr]QLAKLEESLL

ClinVar aggregate classification (germline): Uncertain significance. Review status: criteria provided, multiple submitters, no conflicts (2 of 4 stars). 2 submissions from 2 submitters: Uncertain significance (2). Last evaluated 2025-08-24.

Conditions:
Inborn genetic diseases. Identifiers: MedGen C0950123, MeSH D030342.
Jeune thoracic dystrophy. Also called: Jeune syndrome; Infantile thoracic dystrophy; Thoracic pelvic phalangeal dystrophy; Jeune's syndrome; Chondroectodermal dysplasia-like syndrome; Short-rib thoracic dysplasia. Identifiers: Orphanet 474, MedGen C0265275, MONDO:0018770.

Allele frequency attached by ClinVar (database versions not stated): gnomAD exomes below 0.00001; TOPMed 0.00001.
gnomAD v4.1: 2 of 1,562,272 alleles (0.00013%); highest among the groups gnomAD compares: Admixed American, 0.0038%; no homozygotes.

Submissions (2):

Ambry Genetics
Classification: Uncertain significance for Inborn genetic diseases. Last evaluated: 2025-08-24. Review status: criteria provided, single submitter. Criteria: Ambry Variant Classification Scheme 2023. Collection method: clinical testing. Allele origin: germline.

Labcorp Genetics (formerly Invitae), Labcorp
Classification: Uncertain significance for Jeune thoracic dystrophy. Last evaluated: 2022-07-05. Review status: criteria provided, single submitter. Criteria: Invitae Variant Classification Sherloc (09022015). Collection method: clinical testing. Allele origin: germline.
Comment: In summary, the available evidence is currently insufficient to determine the role of this variant in disease. Therefore, it has been classified as a Variant of Uncertain Significance. This sequence change replaces isoleucine, which is neutral and non-polar, with threonine, which is neutral and polar, at codon 3438 of the DYNC2H1 protein (p.Ile3438Thr). The frequency data for this variant in the population databases is considered unreliable, as metrics indicate poor data quality at this position in the gnomAD database. This variant has not been reported in the literature in individuals affected with DYNC2H1-related conditions. ClinVar contains an entry for this variant (Variation ID: 1523850). Advanced modeling of protein sequence and biophysical properties (such as structural, functional, and spatial information, amino acid conservation, physicochemical variation, residue mobility, and thermodynamic stability) performed at Invitae indicates that this missense variant is not expected to disrupt DYNC2H1 protein function.